The following is an entry in ClinVar:

NM_024675.4(PALB2):c.153A>T (p.Thr51=)

Gene: PALB2 (partner and localizer of BRCA2; minus strand). Cytogenetic location: 16p12.2.
Variant type: single nucleotide variant.
Coding change: c.153A>T on transcript NM_024675.4 (MANE Select); coding-DNA position 153, A replaced by T.
Protein change: p.Thr51=; no amino-acid change (threonine 51 retained).
Molecular consequence: synonymous variant.
Genome position (GRCh38, 1-based): chr16:23,637,908, T>A on the plus strand (A>T on the coding strand, the complement: PALB2 is on the minus strand). VCF-style: chr16-23637908-T-A. GRCh37 (hg19) VCF-style: chr16-23649229-T-A.
Identifiers: ClinVar variation 517010 (VCV000517010.1), dbSNP rs1555462061, ClinGen allele CA494167650.

ClinVar aggregate classification (germline): Likely benign (1 of 4 stars; one submission).

Submission:

GeneDx
Classification: Likely benign. Last evaluated: 2017-12-21. Review status: criteria provided, single submitter. Criteria: GeneDx Variant Classification (06012015). Collection method: clinical testing. Allele origin: germline. Affected: yes.
Comment: This variant is considered likely benign or benign based on one or more of the following criteria: it is a conservative change, it occurs at a poorly conserved position in the protein, it is predicted to be benign by multiple in silico algorithms, and/or has population frequency not consistent with disease.